The following is an entry in ClinVar:

ClinVar aggregate classification (germline): Uncertain significance (1 of 4 stars; one submission).

Conditions:
Inborn genetic diseases. Identifiers: MedGen C0950123, MeSH D030342.

gnomAD v4.1: 1 of 1,610,784 alleles (0.000062%); highest among the groups gnomAD compares: Non-Finnish European, 0.000085%; no homozygotes.

Submission:

Ambry Genetics
Classification: Uncertain significance for Inborn genetic diseases. Last evaluated: 2025-03-01. Review status: criteria provided, single submitter. Criteria: Ambry Variant Classification Scheme 2023. Collection method: clinical testing. Allele origin: germline.
Comment: The p.L590H variant (also known as c.1769T>A), located in coding exon 11 of the RECQL4 gene, results from a T to A substitution at nucleotide position 1769. The leucine at codon 590 is replaced by histidine, an amino acid with similar properties. This amino acid position is conserved. In addition, the in silico prediction for this alteration is inconclusive. Based on the available evidence, the clinical significance of this variant remains unclear.

NM_004260.4(RECQL4):c.1769T>A (p.Leu590His)

Gene: RECQL4 (RecQ like helicase 4; minus strand). Cytogenetic location: 8q24.3.
Variant type: single nucleotide variant.
Coding change: c.1769T>A on transcript NM_004260.4 (MANE Select); coding-DNA position 1769, T replaced by A.
Protein change: p.Leu590His; replaces leucine 590 with histidine.
Molecular consequence: missense variant. On other transcripts: non-coding transcript variant (3), intron variant (3).
Genome position (GRCh38, 1-based): chr8:144,514,298, A>T on the plus strand (T>A on the coding strand, the complement: RECQL4 is on the minus strand). VCF-style: chr8-144514298-A-T. GRCh37 (hg19) VCF-style: chr8-145739682-A-T.
Other names: c.1673T>A, p.Leu558His (NM_001413017.1, NM_001413020.1); c.1769T>A, p.Leu590His (NM_001413018.1, NM_001413019.1, NM_001413036.1); c.698T>A, p.Leu233His (NM_001413021.1, NM_001413022.1, NM_001413023.1 and 6 more transcripts); c.1640T>A, p.Leu547His (NM_001413025.1); c.632T>A, p.Leu211His (NM_001413027.1, NM_001413030.1, NM_001413032.1 and 1 more transcripts); c.1418T>A, p.Leu473His (NM_001413029.1); c.1739T>A, p.Leu580His (NM_001413039.1); c.668T>A, p.Leu223His (NM_001413042.1); and 4 more; short protein forms L101H, L211H, L547H, L558H, L473H, L580H, L223H, L233H.
Identifiers: ClinVar variation 3788064 (VCV003788064.1).